The following is an entry in ClinVar:

NM_006912.6(RIT1):c.21A>G (p.Pro7=)

Gene: RIT1 (Ras like without CAAX 1; minus strand). Cytogenetic location: 1q22.
Variant type: single nucleotide variant.
Coding change: c.21A>G on transcript NM_006912.6 (MANE Select); coding-DNA position 21, A replaced by G.
Protein change: p.Pro7=; no amino-acid change (proline 7 retained).
Molecular consequence: synonymous variant. On other transcripts: intron variant (1).
Genome position (GRCh38, 1-based): chr1:155,910,741, T>C on the plus strand (A>G on the coding strand, the complement: RIT1 is on the minus strand). VCF-style: chr1-155910741-T-C. GRCh37 (hg19) VCF-style: chr1-155880532-T-C.
Other names: c.72A>G, p.Pro24= (NM_001256821.2); c.-2-235A>G (NM_001256820.2).
Identifiers: ClinVar variation 4278842 (VCV004278842.2).
Genomic context (GRCh38, chr1:155,910,741, plus strand): 5'-CAGCATCACTAGTTTGTACTCCCGTGAGAGCCCAGCGGGGCTGCTACAGCAGCTACCAAC[T>C]GGGCGAGTTCCAGAATCCATTGTCCTCTTGGGGCCTTCCTCGGTTGCCCCGAGGAAAAGC-3'
Protein context (NP_008843.1, residues 1-17): MDSGTR[Pro7=]VGSCCSSPAG

ClinVar aggregate classification (germline): Uncertain significance (1 of 4 stars; one submission).

Submission:

GeneDx
Classification: Uncertain significance. Last evaluated: 2026-04-01. Review status: criteria provided, single submitter. Criteria: GeneDx Variant Classification Process June 2021. Collection method: clinical testing. Allele origin: germline.
Comment: Not observed at significant frequency in large population cohorts (gnomAD); In silico analysis supports a deleterious effect on splicing; Has not been previously published as pathogenic or benign to our knowledge